The following is an entry in ClinVar:

NM_003051.4(SLC16A1):c.965C>A (p.Thr322Lys)

Gene: SLC16A1 (solute carrier family 16 member 1; minus strand). Cytogenetic location: 1p13.2.
Variant type: single nucleotide variant.
Coding change: c.965C>A on transcript NM_003051.4 (MANE Select); coding-DNA position 965, C replaced by A.
Protein change: p.Thr322Lys; replaces threonine 322 with lysine.
Molecular consequence: missense variant.
Genome position (GRCh38, 1-based): chr1:112,917,441, G>T on the plus strand (C>A on the coding strand, the complement: SLC16A1 is on the minus strand). VCF-style: chr1-112917441-G-T. GRCh37 (hg19) VCF-style: chr1-113460063-G-T.
Other names: c.965C>A, p.Thr322Lys (NM_001166496.2); short protein forms T322K.
Identifiers: ClinVar variation 2902737 (VCV002902737.3), dbSNP rs756178524, ClinGen allele CA1011355.
Genomic context (GRCh38, chr1:112,917,441, plus strand): 5'-ACTCCATTTGCAACAACGGAAGCCGCAAAGAAATACTGAATTCGAGGTCTTATTGGCTTT[G>T]TGTTGGCTACAAGTCCCATAGATGGTCGGGCTACCATGTCAACAAAAGCCAGAATGGAAA-3'
Protein context (NP_003042.3, residues 312-332): ARPSMGLVAN[Thr322Lys]KPIRPRIQYF

ClinVar aggregate classification (germline): Uncertain significance (1 of 4 stars; one submission).

Allele frequency attached by ClinVar (database versions not stated): gnomAD exomes 0.00001; ExAC 0.00002.
gnomAD v4.1: 16 of 1,614,202 alleles (0.00099%); highest among the groups gnomAD compares: South Asian, 0.016%; no homozygotes.

Submission:

Labcorp Genetics (formerly Invitae), Labcorp
Classification: Uncertain significance. Last evaluated: 2023-09-25. Review status: criteria provided, single submitter. Criteria: Invitae Variant Classification Sherloc (09022015). Collection method: clinical testing. Allele origin: germline.
Comment: This sequence change replaces threonine, which is neutral and polar, with lysine, which is basic and polar, at codon 322 of the SLC16A1 protein (p.Thr322Lys). An algorithm developed to predict the effect of missense changes on protein structure and function (PolyPhen-2) suggests that this variant is likely to be disruptive. This variant has not been reported in the literature in individuals affected with SLC16A1-related conditions. This variant is present in population databases (rs756178524, gnomAD 0.02%). In summary, the available evidence is currently insufficient to determine the role of this variant in disease. Therefore, it has been classified as a Variant of Uncertain Significance.